The following is an entry in ClinVar:

NM_003054.6(SLC18A2):c.710C>A (p.Pro237His)

Gene: SLC18A2 (solute carrier family 18 member A2; plus strand). Cytogenetic location: 10q25.3.
Variant type: single nucleotide variant.
Coding change: c.710C>A on transcript NM_003054.6 (MANE Select); coding-DNA position 710, C replaced by A.
Protein change: p.Pro237His; replaces proline 237 with histidine.
Molecular consequence: missense variant.
Genome position (GRCh38, 1-based): chr10:117,255,286, C>A. VCF-style: chr10-117255286-C-A. GRCh37 (hg19) VCF-style: chr10-119014797-C-A.
Other names: short protein forms P237H.
Identifiers: ClinVar variation 666409 (VCV000666409.15), dbSNP rs767337086, ClinGen allele CA5710398.

ClinVar aggregate classification (germline): Conflicting classifications of pathogenicity. Review status: criteria provided, conflicting classifications (1 of 4 stars). 9 submissions from 9 submitters: Pathogenic (2); Likely pathogenic (1); Uncertain significance (4). 2 of the submissions do not count toward it. Last evaluated 2025-11-13.

Conditions:
Brain dopamine-serotonin vesicular transport disease (PKDYS2). Also called: PARKINSONISM-DYSTONIA, INFANTILE, 2; PARKINSONISM-DYSTONIA 2, INFANTILE-ONSET; BRAIN MONOAMINE VESICULAR TRANSPORT DISEASE. Identifiers: Orphanet 352649, MedGen C4303546, MONDO:0018130, OMIM 618049.

Allele frequency attached by ClinVar (database versions not stated): ExAC 0.00001.
gnomAD v4.1: 61 of 1,614,084 alleles (0.0038%); highest among the groups gnomAD compares: Non-Finnish European, 0.0047%; no homozygotes.

Submissions (9):

3billion
Classification: Likely pathogenic for Brain dopamine-serotonin vesicular transport disease. Last evaluated: 2025-11-13. Review status: criteria provided, single submitter. Criteria: ACMG Guidelines, 2015. Collection method: clinical testing. Allele origin: germline. Affected: yes.
Comment: The variant is observed at an extremely low frequency in the gnomAD v4.1.0 dataset (total allele frequency: 0.004%). Predicted Consequence/Location: Missense variant In silico tool predictions suggest damaging effect of the variant on gene or gene product [REVEL: 0.63 (>=0.6, sensitivity 0.68 and specificity 0.92); 3Cnet: 0.00 (> 0.75, sensitivity 0.96 and precision 0.92)]. The same nucleotide change resulting in the same amino acid change has been previously reported to be associated with SLC18A2-related disorder (ClinVar ID: VCV000666409 /PMID: 26497564).The variant has been reported to be in trans with a pathogenic variant as either compound heterozygous or homozygous in at least one similarly affected unrelated individual (PMID: 26497564, 28716265). Therefore, this variant is classified as Likely pathogenic according to the recommendation of ACMG/AMP guideline.

Labcorp Genetics (formerly Invitae), Labcorp
Classification: Pathogenic. Last evaluated: 2024-04-25. Review status: criteria provided, single submitter. Criteria: Invitae Variant Classification Sherloc (09022015). Collection method: clinical testing. Allele origin: germline.
Comment: This sequence change replaces proline, which is neutral and non-polar, with histidine, which is basic and polar, at codon 237 of the SLC18A2 protein (p.Pro237His). This variant is present in population databases (rs767337086, gnomAD 0.004%). This missense change has been observed in individuals with brain dopamine-serotonin vesicular transport disease (PMID: 26497564, 28716265, 34078222, 36318270). It has also been observed to segregate with disease in related individuals. ClinVar contains an entry for this variant (Variation ID: 666409). An algorithm developed to predict the effect of missense changes on protein structure and function (PolyPhen-2) suggests that this variant is likely to be disruptive. For these reasons, this variant has been classified as Pathogenic.

Genomic Medicine Center of Excellence, King Faisal Specialist Hospital and Research Centre
Classification: Uncertain significance for Brain dopamine-serotonin vesicular transport disease. Last evaluated: 2024-03-26. Review status: criteria provided, single submitter. Criteria: ACMG Guidelines, 2015. Collection method: clinical testing. Allele origin: germline.

Pediatric/Medical Genetics, Ministry of Health, Qatif Central Hospital
Classification: Pathogenic for Brain dopamine-serotonin vesicular transport disease. Last evaluated: 2022-12-21. Review status: criteria provided, single submitter. Criteria: ACMG Guidelines, 2015. Collection method: clinical testing. Allele origin: germline. Inheritance: Autosomal recessive inheritance. Affected: yes. Observed: 1 homozygote.

Revvity Omics, Revvity
Classification: Uncertain significance for Brain dopamine-serotonin vesicular transport disease. Last evaluated: 2021-08-19. Review status: criteria provided, single submitter. Criteria: ACMG Guidelines, 2015. Collection method: clinical testing. Allele origin: germline.

New York Genome Center
Classification: Uncertain significance for Brain dopamine-serotonin vesicular transport disease. Last evaluated: 2020-07-03. Review status: criteria provided, single submitter. Criteria: NYGC Assertion Criteria 2020. Collection method: clinical testing. Allele origin: germline. Observed: 1 heterozygote. Study: CSER-NYCKidSeq.

Neuberg Centre For Genomic Medicine, NCGM
Classification: Uncertain significance for Brain dopamine-serotonin vesicular transport disease. Review status: criteria provided, single submitter. Criteria: ACMG Guidelines, 2015. Collection method: clinical testing. Allele origin: germline. Inheritance: Autosomal recessive inheritance. Affected: yes.
Comment: The missense variant p.P237H in SLC18A2 (NM_003054.6) has not been reported previously as a pathogenic variant nor as a benign variant, to our knowledge. The variant has been submitted to ClinVar as Uncertain signifcance but no details are avialable for an independent assessment. The p.P237H variant is observed in 4/1,13,688 (0.0035%) alleles from individuals of European (Non-Finnish) background in gnomAD Exomes and is novel (not in any individuals) in 1000 Genomes. The p.P237H missense variant is predicted to be damaging by both SIFT and PolyPhen2. The nucleotide c.710 in SLC18A2 is predicted conserved by GERP++ and PhyloP across 100 vertebrates. For these reasons, this variant has been classified as Uncertain Significance.

OMIM
Classification: Pathogenic for PARKINSONISM-DYSTONIA, INFANTILE, 2. Last evaluated: 2023-12-12. Review status: no assertion criteria provided. Collection method: literature only. Allele origin: germline. Not counted in ClinVar's aggregate classification.

Applied Translational Genetics Group, University of Auckland
Classification: Likely pathogenic for Brain dopamineâ€serotonin vesicular transport disease. Last evaluated: 2015-06-26. Review status: no assertion criteria provided. Collection method: research. Allele origin: germline. Inheritance: Autosomal recessive inheritance. Affected: yes and no. Observed: 2 heterozygotes, 2 homozygotes. Clinical features observed: Muscular hypotonia (HP:0001252), Neurodevelopmental delay (HP:0012758), Generalized myoclonic seizures (HP:0002123), none. Segregation with disease observed. Not counted in ClinVar's aggregate classification.
Comment: Homozygous recessive inheritance of a variant causing substitution of an evolutionary conserved amino acid; variant present in a heterozygous state in a single ExAC sample but not reported elsewhere

Literature cited by the submitters: PubMed 28716265 (cited by 3 submitters); PubMed 26497564 (cited by 3 submitters); PubMed 34078222 (cited by Labcorp Genetics (formerly Invitae), Labcorp); PubMed 36318270 (cited by Labcorp Genetics (formerly Invitae), Labcorp and Pediatric/Medical Genetics, Ministry of Health, Qatif Central Hospital); Jacobsen, J. C., Wilson, C., Cunningham, V., Glamuzina, E., Prosser, D. O., Love, D. R., Burgess, T., Taylor, J., Swan, B., Hill, R., Robertson, S. P., Snell, R. G., Lehnert, K. Brain dopamine-serotonin vesicular transport disease presenting as a severe infantile hypotonic parkinsonian disorder. J. Inherit. Metab. Dis. 39: 305-308, 2016. (cited by OMIM); Rath, M., Korenke, G. C., Najm, J., Hoffmann, G. F., Hagendorff, A., Strom, T. M., Felbor, U. Exome sequencing results in identification and treatment of brain dopamine-serotonin vesicular transport disease. J. Neurol. Sci. 379: 296-297, 2017. (cited by OMIM); Zhai, H., Zheng, Y., He, Y., Zhang, Y., Guo, Z., Cui, W., Sun, L. A case report of infantile parkinsonism-dystonia-2 caused by homozygous mutation in the SLC18A2 gene. Int. J. Neurosci. 133: 574-577, 2023. (cited by OMIM).